The following is an entry in ClinVar:

NM_000059.4(BRCA2):c.2687A>T (p.Asn896Ile)

Gene: BRCA2 (BRCA2 DNA repair associated; plus strand). Cytogenetic location: 13q13.1.
Variant type: single nucleotide variant.
Coding change: c.2687A>T on transcript NM_000059.4 (MANE Select); coding-DNA position 2687, A replaced by T.
Protein change: p.Asn896Ile; replaces asparagine 896 with isoleucine.
Molecular consequence: missense variant.
Genome position (GRCh38, 1-based): chr13:32,337,042, A>T. VCF-style: chr13-32337042-A-T. GRCh37 (hg19) VCF-style: chr13-32911179-A-T.
Other names: short protein forms N896I.
Identifiers: ClinVar variation 926954 (VCV000926954.8), dbSNP rs2072462890, ClinGen allele CA387773444.

ClinVar aggregate classification (germline): Conflicting classifications of pathogenicity. Review status: criteria provided, conflicting classifications (1 of 4 stars). 3 submissions from 3 submitters: Uncertain significance (2); Likely benign (1). Last evaluated 2023-12-13.

Conditions:
Hereditary cancer-predisposing syndrome. Also called: Tumor predisposition; Hereditary neoplastic syndrome; Neoplastic Syndromes, Hereditary; Hereditary Cancer Syndrome. Identifiers: Orphanet 140162, MedGen C0027672, MeSH D009386, MONDO:0015356.
Breast-ovarian cancer, familial, susceptibility to, 2 (BROVCA2). Also called: BRCA2 Hereditary Breast and Ovarian Cancer. Identifiers: Orphanet 145, MedGen C2675520, MONDO:0012933, OMIM 612555. Disease mechanism: loss of function.

Submissions (3):

All of Us Research Program, National Institutes of Health
Classification: Uncertain significance for Breast-ovarian cancer, familial, susceptibility to, 2. Last evaluated: 2023-12-13. Review status: criteria provided, single submitter. Criteria: ACMG Guidelines, 2015. Collection method: clinical testing. Allele origin: germline. Inheritance: Autosomal dominant inheritance. Observed: 1 variant allele, 1 heterozygote.
Comment: This missense variant replaces asparagine with isoleucine at codon 896 of the BRCA2 protein. Computational prediction tool suggests that this variant may not impact protein structure and function (internally defined REVEL score threshold <=0.5, PMID: 27666373). Splice site prediction tools suggest that this variant may not impact RNA splicing. To our knowledge, functional studies have not been performed for this variant. This variant has not been reported in individuals affected with hereditary cancer in the literature. This variant has not been identified in the general population by the Genome Aggregation Database (gnomAD). The available evidence is insufficient to determine the role of this variant in disease conclusively. Therefore, this variant is classified as a Variant of Uncertain Significance.

This study involves interpretation of variants in research participants for the purpose of population health screening. Participant phenotype was not available at the time of variant classification. Additional details can be found in publication PMID: 35346344, PMCID: PMC8962531

Color Diagnostics, LLC DBA Color Health
Classification: Uncertain significance for Hereditary cancer-predisposing syndrome. Last evaluated: 2023-11-09. Review status: criteria provided, single submitter. Criteria: ACMG Guidelines, 2015. Collection method: clinical testing. Allele origin: germline.
Comment: This missense variant replaces asparagine with isoleucine at codon 896 of the BRCA2 protein. Computational prediction suggests that this variant may not impact protein structure and function (internally defined REVEL score threshold <= 0.5, PMID: 27666373). To our knowledge, functional studies have not been reported for this variant. This variant has been reported in a large breast cancer case-control study in 1/7051 female breast cancer cases and 1/11241 unaffected female controls (PMID: 30287823). This variant has not been identified in the general population by the Genome Aggregation Database (gnomAD). The available evidence is insufficient to determine the role of this variant in disease conclusively. Therefore, this variant is classified as a Variant of Uncertain Significance.

University of Washington Department of Laboratory Medicine, University of Washington
Classification: Likely benign for Hereditary cancer-predisposing syndrome. Last evaluated: 2023-03-23. Review status: criteria provided, single submitter. Criteria: Dines et al. (Genet Med. 2020). Collection method: curation. Allele origin: germline.
Comment: Missense variant in a coldspot region where missense variants are very unlikely to be pathogenic (PMID:31911673).

BRCA2 exon 11 coldspot. Reclassification based on statistical prior probability.

Literature cited by the submitters: PubMed 30287823 (cited by Color Diagnostics, LLC DBA Color Health).